The following is an entry in ClinVar:

ClinVar aggregate classification (germline): Uncertain significance (1 of 4 stars; one submission).

Conditions:
Familial thoracic aortic aneurysm and aortic dissection (TAAD). Also called: Thoracic aortic aneurysms and dissections. Identifiers: Orphanet 91387, MedGen C4707243, MONDO:0019625.

Submission:

Ambry Genetics
Classification: Uncertain significance for Familial thoracic aortic aneurysm and aortic dissection. Last evaluated: 2022-01-30. Review status: criteria provided, single submitter. Criteria: Ambry Variant Classification Scheme 2023. Collection method: clinical testing. Allele origin: germline.
Comment: The p.I373M variant (also known as c.1119T>G), located in coding exon 10 of the CBS gene, results from a T to G substitution at nucleotide position 1119. The isoleucine at codon 373 is replaced by methionine, an amino acid with highly similar properties. This amino acid position is conserved. In addition, this alteration is predicted to be deleterious by in silico analysis. Since supporting evidence is limited at this time, the clinical significance of this alteration remains unclear.

NM_000071.3(CBS):c.1119T>G (p.Ile373Met)

Gene: CBS (cystathionine beta-synthase; minus strand). Cytogenetic location: 21q22.3.
Variant type: single nucleotide variant.
Coding change: c.1119T>G on transcript NM_000071.3 (MANE Select); coding-DNA position 1119, T replaced by G.
Protein change: p.Ile373Met; replaces isoleucine 373 with methionine.
Molecular consequence: missense variant.
Genome position (GRCh38, 1-based): chr21:43,060,467, A>C on the plus strand (T>G on the coding strand, the complement: CBS is on the minus strand). VCF-style: chr21-43060467-A-C. GRCh37 (hg19) VCF-style: chr21-44480577-A-C.
Other names: c.1119T>G, p.Ile373Met (NM_001178008.3, NM_001178009.3, NM_001320298.2); c.804T>G, p.Ile268Met (NM_001321072.1); short protein forms I373M, I268M.
Identifiers: ClinVar variation 1797146 (VCV001797146.2), dbSNP rs2517411833, ClinGen allele CA410398006.
Genomic context (GRCh38, chr21:43,060,467, plus strand): 5'-GGAGCAGGGACCTGGGAGGGAAGCCGTGTCTTACATGTAGTTCCGCACTGAGTCGGGCAG[A>C]ATGACCACGCAGCGCTGGCCCTCCTGCAGCTCCTGCGCGGCCTTCACGGCCACCGCCACC-3'
Protein context (NP_000062.1, residues 363-383): ELQEGQRCVV[Ile373Met]LPDSVRNYMT